The following is an entry in ClinVar:

NM_032776.3(JMJD1C):c.5630G>A (p.Arg1877Lys)

Gene: JMJD1C (jumonji domain containing 1C; minus strand). Cytogenetic location: 10q21.3.
Variant type: single nucleotide variant.
Coding change: c.5630G>A on transcript NM_032776.3 (MANE Select); coding-DNA position 5630, G replaced by A.
Protein change: p.Arg1877Lys; replaces arginine 1877 with lysine.
Molecular consequence: missense variant. On other transcripts: non-coding transcript variant (1).
Genome position (GRCh38, 1-based): chr10:63,197,425, C>T on the plus strand (G>A on the coding strand, the complement: JMJD1C is on the minus strand). VCF-style: chr10-63197425-C-T. GRCh37 (hg19) VCF-style: chr10-64957185-C-T.
Other names: c.5084G>A, p.Arg1695Lys (NM_001282948.2, NM_001318154.2); c.4766G>A, p.Arg1589Lys (NM_001318153.2); c.5516G>A, p.Arg1839Lys (NM_001322252.2); c.4973G>A, p.Arg1658Lys (NM_001322254.2, NM_001322258.2); short protein forms R1877K, R1695K, R1658K, R1589K, R1839K.
Identifiers: ClinVar variation 1997957 (VCV001997957.4), dbSNP rs2492524675, ClinGen allele CA377029376.

ClinVar aggregate classification (germline): Uncertain significance (1 of 4 stars; one submission).

Conditions:
Early Myoclonic Encephalopathy. Identifiers: MedGen C0270855.

Allele frequency attached by ClinVar (database versions not stated): gnomAD exomes below 0.00001.
gnomAD v4.1: 2 of 1,613,180 alleles (0.00012%); highest among the groups gnomAD compares: Non-Finnish European, 0.00017%; no homozygotes.

Submission:

Labcorp Genetics (formerly Invitae), Labcorp
Classification: Uncertain significance for Early Myoclonic Encephalopathy. Last evaluated: 2022-05-22. Review status: criteria provided, single submitter. Criteria: Invitae Variant Classification Sherloc (09022015). Collection method: clinical testing. Allele origin: germline.
Comment: In summary, the available evidence is currently insufficient to determine the role of this variant in disease. Therefore, it has been classified as a Variant of Uncertain Significance. Algorithms developed to predict the effect of missense changes on protein structure and function are either unavailable or do not agree on the potential impact of this missense change (SIFT: "Tolerated"; PolyPhen-2: "Probably Damaging"; Align-GVGD: "Class C0"). This variant has not been reported in the literature in individuals affected with JMJD1C-related conditions. This variant is not present in population databases (gnomAD no frequency). This sequence change replaces arginine, which is basic and polar, with lysine, which is basic and polar, at codon 1877 of the JMJD1C protein (p.Arg1877Lys).